The following is an entry in ClinVar:

ClinVar aggregate classification (germline): Uncertain significance (1 of 4 stars; one submission).

Conditions:
Cardiovascular phenotype. Identifiers: MedGen CN230736.

Submission:

Ambry Genetics
Classification: Uncertain significance for Cardiovascular phenotype. Last evaluated: 2024-03-10. Review status: criteria provided, single submitter. Criteria: Ambry Variant Classification Scheme 2023. Collection method: clinical testing. Allele origin: germline.
Comment: The p.P2626R variant (also known as c.7877C>G), located in coding exon 22 of the TNXB gene, results from a C to G substitution at nucleotide position 7877. The proline at codon 2626 is replaced by arginine, an amino acid with dissimilar properties. This amino acid position is conserved. In addition, this alteration is predicted to be tolerated by in silico analysis. Based on the available evidence, the clinical significance of this alteration remains unclear.

NM_001365276.2(TNXB):c.7877C>G (p.Pro2626Arg)

Gene: TNXB (tenascin XB; minus strand). Cytogenetic location: 6p21.33.
Variant type: single nucleotide variant.
Coding change: c.7877C>G on transcript NM_001365276.2 (MANE Select); coding-DNA position 7877, C replaced by G.
Protein change: p.Pro2626Arg; replaces proline 2626 with arginine.
Molecular consequence: missense variant.
Genome position (GRCh38, 1-based): chr6:32,056,852, G>C on the plus strand (C>G on the coding strand, the complement: TNXB is on the minus strand). VCF-style: chr6-32056852-G-C. GRCh37 (hg19) VCF-style: chr6-32024629-G-C.
Other names: c.8618C>G, p.Pro2873Arg (NM_001428335.1); c.7877C>G, p.Pro2626Arg (NM_019105.8); short protein forms P2626R, P2873R.
Identifiers: ClinVar variation 3227326 (VCV003227326.1), dbSNP rs1191672316, ClinGen allele CA363550557.